The following is an entry in ClinVar:

NM_001035.3(RYR2):c.14464C>G (p.Arg4822Gly)

Gene: RYR2 (ryanodine receptor 2; plus strand). Cytogenetic location: 1q43.
Variant type: single nucleotide variant.
Coding change: c.14464C>G on transcript NM_001035.3 (MANE Select); coding-DNA position 14464, C replaced by G.
Protein change: p.Arg4822Gly; replaces arginine 4822 with glycine.
Molecular consequence: missense variant.
Genome position (GRCh38, 1-based): chr1:237,819,066, C>G. VCF-style: chr1-237819066-C-G. GRCh37 (hg19) VCF-style: chr1-237982366-C-G.
Other names: short protein forms R4822G.
Identifiers: ClinVar variation 229213 (VCV000229213.6), dbSNP rs876657986, ClinGen allele CA10576416.

ClinVar aggregate classification (germline): Uncertain significance. Review status: criteria provided, multiple submitters, no conflicts (2 of 4 stars). 2 submissions from 2 submitters: Uncertain significance (2). Last evaluated 2016-10-17.

Conditions:
Arrhythmogenic right ventricular cardiomyopathy (ARVD). Also called: Cardiomyopathy, ARVC; Arrhythmogenic right ventricular dysplasia; Arrhythmogenic cardiomyopathy; Arrhythmogenic Right Ventricular Cardiomyopathy (ARVC). Identifiers: Orphanet 247, MedGen C0349788, MeSH D019571, MONDO:0016587. Disease mechanism: loss of function. Inheritance: Various modes of inheritance.

Submissions (2):

Molecular Diagnostic Laboratory for Inherited Cardiovascular Disease, Montreal Heart Institute
Classification: Uncertain significance for Familial isolated arrhythmogenic right ventricular dysplasia. Last evaluated: 2016-10-17. Review status: criteria provided, single submitter. Criteria: ACMG Guidelines, 2015. Collection method: clinical testing. Allele origin: germline. Affected: yes.

Laboratory for Molecular Medicine, Mass General Brigham Personalized Medicine
Classification: Uncertain significance. Last evaluated: 2015-11-19. Review status: criteria provided, single submitter. Criteria: LMM Criteria. Collection method: clinical testing. Allele origin: germline. Observed: 2 variant alleles.
Comment: The p.Arg4822Gly variant in RYR2 has not been previously reported in individuals with cardiomyopathy and was absent from large population studies. Computational prediction tools and conservation analysis suggest that the p.Arg4822Gly varian t may impact the protein, though this information is not predictive enough to de termine pathogenicity. In summary, the clinical significance of the p.Arg4822Gly variant is uncertain.

Literature cited by the submitters: PubMed 24025405 (cited by Laboratory for Molecular Medicine, Mass General Brigham Personalized Medicine); PubMed 19926015 (cited by Laboratory for Molecular Medicine, Mass General Brigham Personalized Medicine).